The following is an entry in ClinVar:

ClinVar aggregate classification (germline): Uncertain significance (1 of 4 stars; one submission).

Submission:

Labcorp Genetics (formerly Invitae), Labcorp
Classification: Uncertain significance. Last evaluated: 2023-08-28. Review status: criteria provided, single submitter. Criteria: Invitae Variant Classification Sherloc (09022015). Collection method: clinical testing. Allele origin: germline.
Comment: In summary, the available evidence is currently insufficient to determine the role of this variant in disease. Therefore, it has been classified as a Variant of Uncertain Significance. Variants that disrupt the consensus splice site are a relatively common cause of aberrant splicing (PMID: 17576681, 9536098). This variant has not been reported in the literature in individuals affected with SLCO5A1-related conditions. This variant is not present in population databases (gnomAD no frequency). This sequence change falls in intron 9 of the SLCO5A1 gene. It does not directly change the encoded amino acid sequence of the SLCO5A1 protein. It affects a nucleotide within the consensus splice site.

Literature cited by the submitters: PubMed 17576681; PubMed 9536098.

NM_030958.3(SLCO5A1):c.2090-1_2090insACAAATACAATTGTATATATTTAAAGGGTACAACATGTTGATTTGATCCTAAAAATCAACAGCGCATTCCT

Gene: SLCO5A1 (solute carrier organic anion transporter family member 5A1; minus strand). Cytogenetic location: 8q13.3.
Variant type: Insertion.
Coding change: c.2090-1_2090insACAAATACAATTGTATATATTTAAAGGGTACAACATGTTGATTTGATCCTAAAAATCAACAGCGCATTCCT on transcript NM_030958.3 (MANE Select); the canonical splice acceptor site of the intron before coding-DNA position 2090 through coding-DNA position 2090, ACAAATACAATTGTATATATTTAAAGGGTACAACATGTTGATTTGATCCTAAAAATCAACAGCGCATTCCT inserted.
Molecular consequence: splice acceptor variant.
Genome position: GRCh38: chr8:69,673,326-69,673,327. GRCh37 (hg19): chr8:70,585,561-70,585,562.
Other names: c.2025-1_2025insACAAATACAATTGTATATATTTAAAGGGTACAACATGTTGATTTGATCCTAAAAATCAACAGCGCATTCCT (NM_001146008.2); c.1925-1_1925insACAAATACAATTGTATATATTTAAAGGGTACAACATGTTGATTTGATCCTAAAAATCAACAGCGCATTCCT (NM_001146009.1).
Identifiers: ClinVar variation 2869194 (VCV002869194.3), dbSNP rs2487263315, ClinGen allele CA2739268827.